The following is an entry in ClinVar:

ClinVar aggregate classification (germline): Uncertain significance (1 of 4 stars; one submission).

Allele frequency attached by ClinVar (database versions not stated): TOPMed below 0.00001; gnomAD 0.00001; ExAC 0.00002; 1000 Genomes Project 0.00020; 1000 Genomes Project 30x 0.00031.

Submission:

Labcorp Genetics (formerly Invitae), Labcorp
Classification: Uncertain significance. Last evaluated: 2022-02-02. Review status: criteria provided, single submitter. Criteria: Invitae Variant Classification Sherloc (09022015). Collection method: clinical testing. Allele origin: germline.
Comment: In summary, the available evidence is currently insufficient to determine the role of this variant in disease. Therefore, it has been classified as a Variant of Uncertain Significance. Advanced modeling of protein sequence and biophysical properties (such as structural, functional, and spatial information, amino acid conservation, physicochemical variation, residue mobility, and thermodynamic stability) performed at Invitae indicates that this missense variant is not expected to disrupt DCHS1 protein function. This variant has not been reported in the literature in individuals affected with DCHS1-related conditions. The frequency data for this variant in the population databases is considered unreliable, as metrics indicate poor data quality at this position in the gnomAD database. This sequence change replaces serine, which is neutral and polar, with asparagine, which is neutral and polar, at codon 2965 of the DCHS1 protein (p.Ser2965Asn).

NM_003737.4(DCHS1):c.8894G>A (p.Ser2965Asn)

Gene: DCHS1 (dachsous cadherin-related 1; minus strand). Cytogenetic location: 11p15.4.
Variant type: single nucleotide variant.
Coding change: c.8894G>A on transcript NM_003737.4 (MANE Select); coding-DNA position 8894, G replaced by A.
Protein change: p.Ser2965Asn; replaces serine 2965 with asparagine.
Molecular consequence: missense variant.
Genome position (GRCh38, 1-based): chr11:6,622,782, C>T on the plus strand (G>A on the coding strand, the complement: DCHS1 is on the minus strand). VCF-style: chr11-6622782-C-T. GRCh37 (hg19) VCF-style: chr11-6644013-C-T.
Other names: short protein forms S2965N.
Identifiers: ClinVar variation 1954688 (VCV001954688.5), dbSNP rs536194145, ClinGen allele CA5859337.